The following is an entry in ClinVar:

NM_015386.3(COG4):c.21C>T (p.Asp7=)

Gene: COG4 (component of oligomeric golgi complex 4; minus strand). Cytogenetic location: 16q22.1.
Variant type: single nucleotide variant.
Coding change: c.21C>T on transcript NM_015386.3 (MANE Select); coding-DNA position 21, C replaced by T.
Protein change: p.Asp7=; no amino-acid change (aspartic acid 7 retained).
Molecular consequence: synonymous variant. On other transcripts: 5 prime UTR variant (1), non-coding transcript variant (1).
Genome position (GRCh38, 1-based): chr16:70,523,523, G>A on the plus strand (C>T on the coding strand, the complement: COG4 is on the minus strand). VCF-style: chr16-70523523-G-A. GRCh37 (hg19) VCF-style: chr16-70557426-G-A.
Other names: c.9C>T, p.Asp3= (NM_001195139.2); c.-579C>T (NM_001365426.1).
Identifiers: ClinVar variation 3051981 (VCV003051981.2), dbSNP rs762819793, ClinGen allele CA8144859.

ClinVar aggregate classification (germline): Likely benign (0 of 4 stars; one submission).

Conditions:
COG4-related disorder. Also called: COG4-related condition.

Allele frequency attached by ClinVar (database versions not stated): gnomAD 0.00001; TOPMed 0.00003; ExAC 0.00005.
gnomAD v4.1: 57 of 1,613,864 alleles (0.0035%); highest among the groups gnomAD compares: Non-Finnish European, 0.0046%; no homozygotes.

Submission:

PreventionGenetics, part of Exact Sciences
Classification: Likely benign for COG4-related condition. Last evaluated: 2020-05-22. Review status: no assertion criteria provided. Collection method: clinical testing. Allele origin: germline.
Comment: This variant is classified as likely benign based on ACMG/AMP sequence variant interpretation guidelines (Richards et al. 2015 PMID: 25741868, with internal and published modifications).